The following is an entry in ClinVar:

ClinVar aggregate classification (germline): Conflicting classifications of pathogenicity. Review status: criteria provided, conflicting classifications (1 of 4 stars). 5 submissions from 5 submitters: Likely pathogenic (4); Uncertain significance (1). Last evaluated 2025-07-14.

Conditions:
Autosomal recessive primary microcephaly. Identifiers: Orphanet 2512, MedGen C3711387, MONDO:0016660.
Microcephaly 1, primary, autosomal recessive (MCPH1). Also called: PREMATURE CHROMOSOME CONDENSATION SYNDROME; PCC SYNDROME; PREMATURE CHROMOSOME CONDENSATION WITH MICROCEPHALY AND MENTAL RETARDATION. Identifiers: Orphanet 2512, MedGen C1855081, MONDO:0009617, OMIM 251200.

Allele frequency attached by ClinVar (database versions not stated): gnomAD 0.00002 and 0.00001; gnomAD exomes 0.00002; TOPMed 0.00001; ExAC 0.00002.
gnomAD v4.1: 27 of 1,614,110 alleles (0.0017%); highest among the groups gnomAD compares: East Asian, 0.0067%; no homozygotes.

Submissions (5):

Women's Health and Genetics/Laboratory Corporation of America, LabCorp
Classification: Likely pathogenic for Autosomal recessive primary microcephaly. Last evaluated: 2025-07-14. Review status: criteria provided, single submitter. Criteria: LabCorp Variant Classification Summary - May 2015. Collection method: clinical testing. Allele origin: germline.
Comment: Variant summary: MCPH1 c.2362C>T (p.Gln788X) results in a premature termination codon, predicted to cause a truncation of the encoded protein or absence of the protein due to nonsense mediated decay, which are commonly known mechanisms for disease. A truncation downstream of this position (p.Lys804Ter) has been classified as pathogenic by our laboratory however to our knowledge, it has not been reported in individuals affected with Primary microcephaly. The variant allele was found at a frequency of 1.6e-05 in 249524 control chromosomes (gnomAD). To our knowledge, no occurrence of c.2362C>T in individuals affected with Primary microcephaly and no experimental evidence demonstrating its impact on protein function have been reported. ClinVar contains an entry for this variant (Variation ID: 970257). Based on the evidence outlined above, the variant was classified as likely pathogenic.

GeneDx
Classification: Likely pathogenic. Last evaluated: 2025-06-06. Review status: criteria provided, single submitter. Criteria: GeneDx Variant Classification Process June 2021. Collection method: clinical testing. Allele origin: germline. Affected: yes.
Comment: Nonsense variant predicted to result in protein truncation or nonsense mediated decay in a gene for which loss of function is a known mechanism of disease; Not observed at significant frequency in large population cohorts (gnomAD); Has not been previously published as pathogenic or benign in association with MCPH1-related disorder to our knowledge; This variant is associated with the following publications: (PMID: 31589614, 32242007, 22154951)

First Genomix Gene Laboratory, Genetic Diagnostics Department
Classification: Likely pathogenic for Microcephaly 1, primary, autosomal recessive. Last evaluated: 2025-03-24. Review status: criteria provided, single submitter. Criteria: ACMG Guidelines, 2015. Collection method: clinical testing. Allele origin: germline. Inheritance: Autosomal recessive inheritance. Affected: no. Observed: 1 variant allele.

Labcorp Genetics (formerly Invitae), Labcorp
Classification: Uncertain significance. Last evaluated: 2022-10-07. Review status: criteria provided, single submitter. Criteria: Invitae Variant Classification Sherloc (09022015). Collection method: clinical testing. Allele origin: germline.
Comment: This sequence change creates a premature translational stop signal (p.Gln788*) in the MCPH1 gene. However, it is currently unclear if variants that occur in this region of the gene cause disease. This variant is present in population databases (rs753535530, gnomAD 0.02%). This variant has not been reported in the literature in individuals affected with MCPH1-related conditions. ClinVar contains an entry for this variant (Variation ID: 970257). In summary, the available evidence is currently insufficient to determine the role of this variant in disease. Therefore, it has been classified as a Variant of Uncertain Significance.

Department of Pathology and Laboratory Medicine, Sinai Health System
Classification: Likely pathogenic for Microcephaly 1, primary, autosomal recessive. Last evaluated: 2022-04-20. Review status: criteria provided, single submitter. Criteria: ACMG Guidelines, 2015. Collection method: research. Allele origin: germline.

NM_024596.5(MCPH1):c.2362C>T (p.Gln788Ter)

Genes: MCPH1 (microcephalin 1; plus strand), MCPH1-AS1 (MCPH1 antisense RNA 1; minus strand). Cytogenetic location: 8p23.1.
Variant type: single nucleotide variant.
Coding change: c.2362C>T on transcript NM_024596.5 (MANE Select); coding-DNA position 2362, C replaced by T.
Protein change: p.Gln788Ter; replaces glutamine 788 with a stop codon.
Molecular consequence: nonsense. On other transcripts: non-coding transcript variant (1).
Genome position (GRCh38, 1-based): chr8:6,621,601, C>T. VCF-style: chr8-6621601-C-T. GRCh37 (hg19) VCF-style: chr8-6479122-C-T.
Other names: c.2362C>T, p.Gln788Ter (NM_001322042.2, NM_001363979.1); c.2083C>T, p.Gln695Ter (NM_001363980.2); c.2362C>T (NM_024596.3); short protein forms Q695*, Q788*.
Identifiers: ClinVar variation 970257 (VCV000970257.8), dbSNP rs753535530, ClinGen allele CA4611510.